The following is an entry in ClinVar:

NM_006939.4(SOS2):c.2243A>G (p.His748Arg)

Gene: SOS2 (SOS Ras/Rho guanine nucleotide exchange factor 2; minus strand). Cytogenetic location: 14q21.3.
Variant type: single nucleotide variant.
Coding change: c.2243A>G on transcript NM_006939.4 (MANE Select); coding-DNA position 2243, A replaced by G.
Protein change: p.His748Arg; replaces histidine 748 with arginine.
Molecular consequence: missense variant.
Genome position (GRCh38, 1-based): chr14:50,150,149, T>C on the plus strand (A>G on the coding strand, the complement: SOS2 is on the minus strand). VCF-style: chr14-50150149-T-C. GRCh37 (hg19) VCF-style: chr14-50616867-T-C.
Other names: c.2144A>G, p.His715Arg (NM_001411020.1); short protein forms H715R, H748R.
Identifiers: ClinVar variation 2167499 (VCV002167499.6), dbSNP rs773047395, ClinGen allele CA7177084.

ClinVar aggregate classification (germline): Conflicting classifications of pathogenicity. Review status: criteria provided, conflicting classifications (1 of 4 stars). 2 submissions from 2 submitters: Uncertain significance (1); Likely benign (1). Last evaluated 2024-04-22.

Conditions:
Cardiovascular phenotype. Identifiers: MedGen CN230736.
Noonan syndrome 9 (NS9). Identifiers: Orphanet 648, MedGen C4225282, MONDO:0014691, OMIM 616559.

Allele frequency attached by ClinVar (database versions not stated): ExAC 0.00002; gnomAD 0.00003.

Submissions (2):

Labcorp Genetics (formerly Invitae), Labcorp
Classification: Likely benign for Noonan syndrome 9. Last evaluated: 2024-04-22. Review status: criteria provided, single submitter. Criteria: Invitae Variant Classification Sherloc (09022015). Collection method: clinical testing. Allele origin: germline.

Ambry Genetics
Classification: Uncertain significance for Cardiovascular phenotype. Last evaluated: 2023-05-04. Review status: criteria provided, single submitter. Criteria: Ambry Variant Classification Scheme 2023. Collection method: clinical testing. Allele origin: germline.
Comment: The p.H748R variant (also known as c.2243A>G), located in coding exon 14 of the SOS2 gene, results from an A to G substitution at nucleotide position 2243. The histidine at codon 748 is replaced by arginine, an amino acid with highly similar properties. This amino acid position is conserved. In addition, the in silico prediction for this alteration is inconclusive. Since supporting evidence is limited at this time, the clinical significance of this alteration remains unclear.